The following is an entry in ClinVar:

ClinVar aggregate classification (germline): Uncertain significance. Review status: criteria provided, multiple submitters, no conflicts (2 of 4 stars). 2 submissions from 2 submitters: Uncertain significance (2). Last evaluated 2025-11-09.

Conditions:
Inborn genetic diseases. Identifiers: MedGen C0950123, MeSH D030342.

Allele frequency attached by ClinVar (database versions not stated): gnomAD exomes below 0.00001; TOPMed below 0.00001; ExAC 0.00001; gnomAD 0.00002.
gnomAD v4.1: 9 of 1,613,504 alleles (0.00056%); highest among the groups gnomAD compares: South Asian, 0.0066%; no homozygotes.

Submissions (2):

Labcorp Genetics (formerly Invitae), Labcorp
Classification: Uncertain significance. Last evaluated: 2025-11-09. Review status: criteria provided, single submitter. Criteria: Invitae Variant Classification Sherloc (09022015). Collection method: clinical testing. Allele origin: germline.
Comment: This sequence change replaces threonine, which is neutral and polar, with isoleucine, which is neutral and non-polar, at codon 126 of the CDH2 protein (p.Thr126Ile). This variant is present in population databases (rs770426519, gnomAD 0.003%). This variant has not been reported in the literature in individuals affected with CDH2-related conditions. ClinVar contains an entry for this variant (Variation ID: 1507388). An algorithm developed to predict the effect of missense changes on protein structure and function (PolyPhen-2) suggests that this variant is likely to be tolerated. In summary, the available evidence is currently insufficient to determine the role of this variant in disease. Therefore, it has been classified as a Variant of Uncertain Significance.

Ambry Genetics
Classification: Uncertain significance for Inborn genetic diseases. Last evaluated: 2023-09-22. Review status: criteria provided, single submitter. Criteria: Ambry Variant Classification Scheme 2023. Collection method: clinical testing. Allele origin: germline.

NM_001792.5(CDH2):c.377C>T (p.Thr126Ile)

Gene: CDH2 (cadherin 2; minus strand). Cytogenetic location: 18q12.1.
Variant type: single nucleotide variant.
Coding change: c.377C>T on transcript NM_001792.5 (MANE Select); coding-DNA position 377, C replaced by T.
Protein change: p.Thr126Ile; replaces threonine 126 with isoleucine.
Molecular consequence: missense variant.
Genome position (GRCh38, 1-based): chr18:28,013,705, G>A on the plus strand (C>T on the coding strand, the complement: CDH2 is on the minus strand). VCF-style: chr18-28013705-G-A. GRCh37 (hg19) VCF-style: chr18-25593669-G-A.
Other names: c.377C>T (NM_001792.3); c.284C>T, p.Thr95Ile (NM_001308176.2); short protein forms T126I, T95I.
Identifiers: ClinVar variation 1507388 (VCV001507388.9), dbSNP rs770426519, ClinGen allele CA8923716.